The following is an entry in ClinVar:

NM_007294.4(BRCA1):c.4067A>T (p.Gln1356Leu)

Genes: BRCA1 (BRCA1 DNA repair associated; minus strand), LOC126862571 (BRD4-independent group 4 enhancer GRCh37_chr17:41243136-41244335; plus strand). Cytogenetic location: 17q21.31.
Variant type: single nucleotide variant.
Coding change: c.4067A>T on transcript NM_007294.4 (MANE Select); coding-DNA position 4067, A replaced by T.
Protein change: p.Gln1356Leu; replaces glutamine 1356 with leucine.
Molecular consequence: missense variant. On other transcripts: intron variant (135).
Genome position (GRCh38, 1-based): chr17:43,091,464, T>A on the plus strand (A>T on the coding strand, the complement: BRCA1 is on the minus strand). VCF-style: chr17-43091464-T-A. GRCh37 (hg19) VCF-style: chr17-41243481-T-A.
Other names: c.3854A>T, p.Gln1285Leu (NM_001407571.1, NM_001407853.1, NM_001407894.1 and 9 more transcripts); c.4067A>T, p.Gln1356Leu (NM_001407581.1, NM_001407582.1, NM_001407583.1 and 30 more transcripts); c.4064A>T, p.Gln1355Leu (NM_001407587.1, NM_001407590.1, NM_001407591.1 and 22 more transcripts); c.4058A>T, p.Gln1353Leu (NM_001407646.1, NM_001407647.1); c.3944A>T, p.Gln1315Leu (NM_001407648.1, NM_001407664.1, NM_001407665.1 and 19 more transcripts); c.3941A>T, p.Gln1314Leu (NM_001407649.1, NM_001407670.1, NM_001407671.1 and 11 more transcripts); c.3989A>T, p.Gln1330Leu (NM_001407653.1, NM_001407654.1, NM_001407655.1 and 4 more transcripts); c.3986A>T, p.Gln1329Leu (NM_001407659.1, NM_001407660.1, NM_001407661.1 and 1 more transcripts); and 41 more; short protein forms Q1356L, Q1309L, Q1285L, Q1315L, Q1329L, Q1188L, Q1228L, Q1288L.
Identifiers: ClinVar variation 1394899 (VCV001394899.11), dbSNP rs2154266330, ClinGen allele CA10593825.
Genomic context (GRCh38, chr17:43,091,464, plus strand): 5'-TGGGGCAAACACAAAAACCTGGTTCCAATACCTAAGTTTGAATCCATGCTTTGCTCTTCT[T>A]GATTATTTTCTTCCAAGCCCGTTCCTCTTTCTTCATCATCTGAAACCAATTCCTTGTCAC-3'
Protein context (NP_009225.1, residues 1346-1366): ERGTGLEENN[Gln1356Leu]EEQSMDSNLG

ClinVar aggregate classification (germline): Conflicting classifications of pathogenicity. Review status: criteria provided, conflicting classifications (1 of 4 stars). 2 submissions from 2 submitters: Uncertain significance (1); Likely benign (1). Last evaluated 2023-03-23.

Conditions:
Hereditary cancer-predisposing syndrome. Also called: Neoplastic Syndromes, Hereditary; Hereditary neoplastic syndrome; Tumor predisposition; Hereditary Cancer Syndrome. Identifiers: Orphanet 140162, MedGen C0027672, MeSH D009386, MONDO:0015356.
Hereditary breast ovarian cancer syndrome. Also called: BRCA1- and BRCA2-Associated Hereditary Breast and Ovarian Cancer; Hereditary breast and ovarian cancer syndrome (HBOC); Hereditary breast and ovarian cancer syndrome; Hereditary breast and ovarian cancer; Breast and ovarian cancer; Hereditary breast and/or ovarian cancer syndrome. Identifiers: Orphanet 145, MedGen C0677776, MeSH D061325, MONDO:0003582. Disease mechanism: loss of function.

Submissions (2):

University of Washington Department of Laboratory Medicine, University of Washington
Classification: Likely benign for Hereditary cancer-predisposing syndrome. Last evaluated: 2023-03-23. Review status: criteria provided, single submitter. Criteria: Dines et al. (Genet Med. 2020). Collection method: curation. Allele origin: germline.
Comment: Missense variant in a coldspot region where missense variants are very unlikely to be pathogenic (PMID:31911673).

BRCA1 coldspot (exon 11 using historical exon numbering). Reclassification based on statistical prior probability

Labcorp Genetics (formerly Invitae), Labcorp
Classification: Uncertain significance for Hereditary breast ovarian cancer syndrome. Last evaluated: 2020-12-03. Review status: criteria provided, single submitter. Criteria: Invitae Variant Classification Sherloc (09022015). Collection method: clinical testing. Allele origin: germline.
Comment: In summary, the available evidence is currently insufficient to determine the role of this variant in disease. Therefore, it has been classified as a Variant of Uncertain Significance. This sequence change replaces glutamine with leucine at codon 1356 of the BRCA1 protein (p.Gln1356Leu). The glutamine residue is moderately conserved and there is a moderate physicochemical difference between glutamine and leucine. This variant is not present in population databases (ExAC no frequency). This variant has not been reported in the literature in individuals with BRCA1-related conditions. Advanced modeling of protein sequence and biophysical properties (such as structural, functional, and spatial information, amino acid conservation, physicochemical variation, residue mobility, and thermodynamic stability) performed at Invitae indicates that this missense variant is not expected to disrupt BRCA1 protein function.